The following is an entry in ClinVar:

ClinVar aggregate classification (germline): Uncertain significance. Review status: criteria provided, multiple submitters, no conflicts (2 of 4 stars). 5 submissions from 5 submitters: Uncertain significance (4). 1 of the submissions does not count toward it. Last evaluated 2026-01-26.

Conditions:
Ataxia-telangiectasia syndrome (AT). Also called: Cerebello-oculocutaneous telangiectasia; Immunodeficiency with ataxia telangiectasia; Ataxia-telangiectasia; Ataxia telangiectasia (A-T); LOUIS-BAR SYNDROME; Ataxia-telangiectasia, complementation group D. Identifiers: Orphanet 100, MedGen C0004135, MONDO:0008840, OMIM 208900.
Hereditary cancer-predisposing syndrome. Also called: Neoplastic Syndromes, Hereditary; Tumor predisposition; Hereditary neoplastic syndrome; Hereditary Cancer Syndrome. Identifiers: Orphanet 140162, MedGen C0027672, MeSH D009386, MONDO:0015356.

Allele frequency attached by ClinVar (database versions not stated): TOPMed below 0.00001; gnomAD exomes 0.00001; ExAC 0.00002.
gnomAD v4.1: 2 of 1,613,708 alleles (0.00012%); highest among the groups gnomAD compares: East Asian, 0.0022%; no homozygotes.

Submissions (5):

Labcorp Genetics (formerly Invitae), Labcorp
Classification: Uncertain significance for Ataxia-telangiectasia syndrome. Last evaluated: 2026-01-26. Review status: criteria provided, single submitter. Criteria: Invitae Variant Classification Sherloc (09022015). Collection method: clinical testing. Allele origin: germline.
Comment: This sequence change replaces methionine, which is neutral and non-polar, with isoleucine, which is neutral and non-polar, at codon 349 of the ATM protein (p.Met349Ile). This variant is present in population databases (rs768480943, gnomAD 0.006%). This variant has not been reported in the literature in individuals affected with ATM-related conditions. ClinVar contains an entry for this variant (Variation ID: 245781). Invitae Evidence Modeling of protein sequence and biophysical properties (such as structural, functional, and spatial information, amino acid conservation, physicochemical variation, residue mobility, and thermodynamic stability) indicates that this missense variant is not expected to disrupt ATM protein function with a negative predictive value of 95%. In summary, the available evidence is currently insufficient to determine the role of this variant in disease. Therefore, it has been classified as a Variant of Uncertain Significance.

Color Diagnostics, LLC DBA Color Health
Classification: Uncertain significance for Hereditary cancer-predisposing syndrome. Last evaluated: 2025-12-10. Review status: criteria provided, single submitter. Criteria: ACMG Guidelines, 2015. Collection method: clinical testing. Allele origin: germline.
Comment: This missense variant replaces methionine with isoleucine at codon 349 of the ATM protein. Computational predictions are inconclusive regarding the impact of this variant on protein structure and function. To our knowledge, functional studies have not been reported for this variant. This variant has been detected in a breast cancer case-control meta-analysis in 1/60466 cases and 1/53461 unaffected individuals (PMID: 33471991LOVD DB-ID ATM_001841). This variant has been identified in 2/1613708 chromosomes in the general population by the Genome Aggregation Database (gnomAD). The available evidence is insufficient to determine the role of this variant in disease conclusively. Therefore, this variant is classified as a Variant of Uncertain Significance.

Ambry Genetics
Classification: Uncertain significance for Hereditary cancer-predisposing syndrome. Last evaluated: 2023-11-22. Review status: criteria provided, single submitter. Criteria: Ambry Variant Classification Scheme 2023. Collection method: clinical testing. Allele origin: germline.
Comment: The p.M349I variant (also known as c.1047G>A), located in coding exon 7 of the ATM gene, results from a G to A substitution at nucleotide position 1047. The methionine at codon 349 is replaced by isoleucine, an amino acid with highly similar properties. This amino acid position is not well conserved in available vertebrate species. In addition, this alteration is predicted to be tolerated by in silico analysis. Since supporting evidence is limited at this time, the clinical significance of this alteration remains unclear.

GeneDx
Classification: Uncertain significance. Last evaluated: 2016-03-01. Review status: criteria provided, single submitter. Criteria: GeneDx Variant Classification (06012015). Collection method: clinical testing. Allele origin: germline. Affected: yes.
Comment: This variant is denoted ATM c.1047G>A at the cDNA level, p.Met349Ile (M349I) at the protein level, and results in the change of a Methionine to an Isoleucine (ATG>ATA). This variant has not, to our knowledge, been published in the literature as pathogenic or benign. ATM Met349Ile was not observed in approximately 6,500 individuals of European and African American ancestry in the NHLBI Exome Sequencing Project, indicating it is not a common benign variant in these populations. Since Methionine and Isoleucine share similar properties, this is considered a conservative amino acid substitution. ATM Met349Ile occurs at a position where amino acids with properties similar to Methionine are tolerated across species and is not located in a known functional domain (Tavtigian 2009). In silico analyses are inconsistent regarding the effect this variant may have on protein structure and function. Based on currently available information, it is unclear whether ATM Met349Ile is pathogenic or benign. We consider it to be a variant of uncertain significance.

Natera, Inc.
Classification: Uncertain significance for Ataxia-telangiectasia. Last evaluated: 2020-09-01. Review status: no assertion criteria provided. Collection method: clinical testing. Allele origin: germline. Not counted in ClinVar's aggregate classification.

Literature cited by the submitters: PubMed 33471991 (cited by Color Diagnostics, LLC DBA Color Health).

NM_000051.4(ATM):c.1047G>A (p.Met349Ile)

Gene: ATM (ATM serine/threonine kinase; plus strand). Cytogenetic location: 11q22.3.
Variant type: single nucleotide variant.
Coding change: c.1047G>A on transcript NM_000051.4 (MANE Select); coding-DNA position 1047, G replaced by A.
Protein change: p.Met349Ile; replaces methionine 349 with isoleucine.
Molecular consequence: missense variant.
Genome position (GRCh38, 1-based): chr11:108,247,109, G>A. VCF-style: chr11-108247109-G-A. GRCh37 (hg19) VCF-style: chr11-108117836-G-A.
Other names: c.1047G>A, p.Met349Ile (NM_001351834.2); short protein forms M349I.
Identifiers: ClinVar variation 245781 (VCV000245781.27), dbSNP rs768480943, ClinGen allele CA6264727.